The following is an entry in ClinVar:

ClinVar aggregate classification (germline): Uncertain significance (1 of 4 stars; one submission).

Submission:

CeGaT Center for Human Genetics Tuebingen
Classification: Uncertain significance. Last evaluated: 2025-08-01. Review status: criteria provided, single submitter. Criteria: CeGaT Center For Human Genetics Tuebingen Variant Classification Criteria Version 2. Collection method: clinical testing. Allele origin: germline. Affected: yes. Observed: 1 variant allele.
Comment: ARID1A: PM2

NM_006015.6(ARID1A):c.4070A>G (p.Gln1357Arg)

Gene: ARID1A (AT-rich interaction domain 1A; plus strand). Cytogenetic location: 1p36.11.
Variant type: single nucleotide variant.
Coding change: c.4070A>G on transcript NM_006015.6 (MANE Select); coding-DNA position 4070, A replaced by G.
Protein change: p.Gln1357Arg; replaces glutamine 1357 with arginine.
Molecular consequence: missense variant.
Genome position (GRCh38, 1-based): chr1:26,773,867, A>G. VCF-style: chr1-26773867-A-G. GRCh37 (hg19) VCF-style: chr1-27100358-A-G.
Other names: c.4070A>G, p.Gln1357Arg (NM_139135.4); short protein forms Q1357R.
Identifiers: ClinVar variation 4085867 (VCV004085867.8).